The following is an entry in ClinVar:

NM_201384.3(PLEC):c.1042-7_1078del

Gene: PLEC (plectin; minus strand). Cytogenetic location: 8q24.3.
Variant type: Deletion.
Coding change: c.1042-7_1078del on transcript NM_201384.3 (MANE Select); 7 bases into the intron before coding-DNA position 1042 through coding-DNA position 1078, 44 bases deleted.
Molecular consequence: splice acceptor variant.
Genome position (GRCh38, 1-based): chr8:143,934,409-143,934,452, 44 bases deleted; deleting any 44 consecutive bases within chr8:143,934,409-143,934,458 gives the same sequence; the c. name uses the placement nearest the transcript's 3' end. GRCh37 (hg19): chr8:145,008,583-145,008,626.
Other names: c.1123-7_1159del (NM_001410941.1, NM_000445.5); c.1000-7_1036del (NM_201378.4); c.976-7_1012del (NM_201379.3); c.1453-7_1489del (NM_201380.4); c.946-7_982del (NM_201381.3); c.1042-7_1078del (NM_201382.4); c.1054-7_1090del (NM_201383.3).
Identifiers: ClinVar variation 3754720 (VCV003754720.2).

ClinVar aggregate classification (germline): Likely pathogenic (1 of 4 stars; one submission).

Conditions:
Epidermolysis bullosa simplex with nail dystrophy (EBS5D). Identifiers: MedGen C4225309, MONDO:0014661, OMIM 616487.
Epidermolysis bullosa simplex, Ogna type (EBS5A). Also called: Pidermolysis bullosa simplex 5A, Ogna type; EPIDERMOLYSIS BULLOSA SIMPLEX 5A, OGNA TYPE. Identifiers: Orphanet 79401, MedGen C0432317, MONDO:0007555, OMIM 131950.
Autosomal recessive limb-girdle muscular dystrophy type 2Q (LGMDR17). Also called: MUSCULAR DYSTROPHY, LIMB-GIRDLE, AUTOSOMAL RECESSIVE 17. Identifiers: Orphanet 254361, MedGen C3150989, MONDO:0013390, OMIM 613723.
Epidermolysis bullosa simplex 5B, with muscular dystrophy (EBS5B). Also called: EPIDERMOLYSIS BULLOSA SIMPLEX AND LIMB-GIRDLE MUSCULAR DYSTROPHY; Epidermolysis bullosa simplex with muscular dystrophy. Identifiers: Orphanet 257, MedGen C2931072, MONDO:0009181, OMIM 226670.
Epidermolysis bullosa simplex 5C, with pyloric atresia (EBS5C). Also called: PLEC-Related Epidermolysis Bullosa with Pyloric Atresia; Epidermolysis bullosa simplex with pyloric atresia; PLEC1-Related Epidermolysis Bullosa with Pyloric Atresia. Identifiers: Orphanet 158684, MedGen C2677349, MONDO:0012807, OMIM 612138.

Submission:

Labcorp Genetics (formerly Invitae), Labcorp
Classification: Likely pathogenic for Autosomal recessive limb-girdle muscular dystrophy type 2Q; Epidermolysis bullosa simplex, Ogna type; Epidermolysis bullosa simplex with nail dystrophy; Epidermolysis bullosa simplex 5C, with pyloric atresia; Epidermolysis bullosa simplex 5B, with muscular dystrophy. Last evaluated: 2024-10-24. Review status: criteria provided, single submitter. Criteria: Invitae Variant Classification Sherloc (09022015). Collection method: clinical testing. Allele origin: germline.
Comment: This variant results in the deletion of part of exon 12 (c.1123-7_1159del) of the PLEC gene. It is expected to disrupt RNA splicing. Variants that disrupt the donor or acceptor splice site typically lead to a loss of protein function (PMID: 16199547), and loss-of-function variants in PLEC are known to be pathogenic (PMID: 20301336, 20447487, 21109228, 23289980, 28824526). This variant is not present in population databases (gnomAD no frequency). This variant has not been reported in the literature in individuals affected with PLEC-related conditions. This variant disrupts a region of the PLEC protein in which other variant(s) (p.Leu382Phe) have been observed in individuals with PLEC-related conditions (internal data). This suggests that this is a clinically significant region of the protein, and that variants that disrupt it are likely to be disease-causing. In summary, the currently available evidence indicates that the variant is pathogenic, but additional data are needed to prove that conclusively. Therefore, this variant has been classified as Likely Pathogenic.

Literature cited by the submitters: PubMed 16199547; PubMed 20301336; PubMed 20447487; PubMed 21109228; PubMed 23289980; PubMed 28824526.